The following is an entry in ClinVar:

NM_017780.4(CHD7):c.6513C>T (p.Ala2171=)

Gene: CHD7 (chromodomain helicase DNA binding protein 7; plus strand). Cytogenetic location: 8q12.2.
Variant type: single nucleotide variant.
Coding change: c.6513C>T on transcript NM_017780.4 (MANE Select); coding-DNA position 6513, C replaced by T.
Protein change: p.Ala2171=; no amino-acid change (alanine 2171 retained).
Molecular consequence: synonymous variant. On other transcripts: intron variant (1).
Genome position (GRCh38, 1-based): chr8:60,853,238, C>T. VCF-style: chr8-60853238-C-T. GRCh37 (hg19) VCF-style: chr8-61765797-C-T.
Other names: c.6513C>T, p.(=) (LRG_176t1); c.1717-8991C>T (NM_001316690.1).
Identifiers: ClinVar variation 95804 (VCV000095804.67), dbSNP rs376020564, ClinGen allele CA223315.

ClinVar aggregate classification (germline): Conflicting classifications of pathogenicity. Review status: criteria provided, conflicting classifications (1 of 4 stars). 10 submissions from 10 submitters: Uncertain significance (2); Likely benign (5). 3 of the submissions do not count toward it. Last evaluated 2026-07-01.

Conditions:
CHD7-related disorder. Also called: CHD7-related condition.
Inborn genetic diseases. Identifiers: MedGen C0950123, MeSH D030342.
Hypogonadotropic hypogonadism 5 with or without anosmia (KAL5). Also called: CHD7-Related GnRH Deficiency (Kallmann Syndrome 5); HYPOGONADOTROPIC HYPOGONADISM 5 WITH ANOSMIA; HYPOGONADOTROPHIC HYPOGONADISM 5 WITHOUT ANOSMIA. Identifiers: Orphanet 478, MedGen C3552553, MONDO:0012880, OMIM 612370. Disease mechanism: loss of function.
CHARGE syndrome (CHARGE). Also called: CHARGE ASSOCIATION--COLOBOMA, HEART ANOMALY, CHOANAL ATRESIA, RETARDATION, GENITAL AND EAR ANOMALIES; Hittner Hirsch Kreh syndrome; Coloboma, heart anomaly, choanal atresia, retardation, genital and ear anomalies; CHARGE association; Hall-Hittner syndrome. Identifiers: Orphanet 138, MedGen C0265354, MONDO:0008965.

Allele frequency attached by ClinVar (database versions not stated): TOPMed 0.00016; 1000 Genomes Project 30x 0.00031; ExAC 0.00013; gnomAD exomes 0.00015; ESP Exome Variant Server 0.00017.
gnomAD v4.1: 246 of 1,613,730 alleles (0.015%); highest among the groups gnomAD compares: Non-Finnish European, 0.02%; no homozygotes.

Submissions (10):

CeGaT Center for Human Genetics Tuebingen
Classification: Likely benign. Last evaluated: 2026-07-01. Review status: criteria provided, single submitter. Criteria: CeGaT Center For Human Genetics Tuebingen Variant Classification Criteria Version 2. Collection method: clinical testing. Allele origin: germline. Affected: yes. Observed: 7 variant alleles.
Comment: CHD7: BP4, BP7

Labcorp Genetics (formerly Invitae), Labcorp
Classification: Likely benign for CHARGE syndrome. Last evaluated: 2026-02-01. Review status: criteria provided, single submitter. Criteria: Invitae Variant Classification Sherloc (09022015). Collection method: clinical testing. Allele origin: germline.

Blueprint Genetics
Classification: Likely benign. Last evaluated: 2024-10-04. Review status: criteria provided, single submitter. Criteria: ACMG Guidelines, 2015. Collection method: clinical testing. Allele origin: germline.

Ambry Genetics
Classification: Likely benign for Inborn genetic diseases. Last evaluated: 2022-06-02. Review status: criteria provided, single submitter. Criteria: Ambry Variant Classification Scheme 2023. Collection method: clinical testing. Allele origin: germline.

GeneDx
Classification: Likely benign. Last evaluated: 2019-03-26. Review status: criteria provided, single submitter. Criteria: GeneDx Variant Classification Process June 2021. Collection method: clinical testing. Allele origin: germline. Affected: yes.

Illumina Laboratory Services, Illumina
Classification: Uncertain significance for Kallmann Syndrome 5. Last evaluated: 2018-01-13. Review status: criteria provided, single submitter. Criteria: ICSL Variant Classification Criteria 13 December 2019. Collection method: clinical testing. Allele origin: germline.

Eurofins Ntd Llc (ga)
Classification: Uncertain significance. Last evaluated: 2013-11-07. Review status: criteria provided, single submitter. Criteria: EGL Classification Definitions 2015. Collection method: clinical testing. Allele origin: germline. Observed: 1 variant allele, 1 heterozygote.

PreventionGenetics, part of Exact Sciences
Classification: Likely benign for CHD7-related condition. Last evaluated: 2020-01-17. Review status: no assertion criteria provided. Collection method: clinical testing. Allele origin: germline. Not counted in ClinVar's aggregate classification.
Comment: This variant is classified as likely benign based on ACMG/AMP sequence variant interpretation guidelines (Richards et al. 2015 PMID: 25741868, with internal and published modifications).

Clinical Genetics, Academic Medical Center
Classification: Benign. Review status: no assertion criteria provided. Collection method: clinical testing. Allele origin: germline. Affected: yes. Study: VKGL Data-share Consensus. Not counted in ClinVar's aggregate classification.

Genome Diagnostics Laboratory, University Medical Center Utrecht
Classification: Likely benign. Review status: no assertion criteria provided. Collection method: clinical testing. Allele origin: germline. Affected: yes. Study: VKGL Data-share Consensus. Not counted in ClinVar's aggregate classification.